The following is an entry in ClinVar:

ClinVar aggregate classification (germline): Uncertain significance. Review status: criteria provided, multiple submitters, no conflicts (2 of 4 stars). 2 submissions from 2 submitters: Uncertain significance (2). Last evaluated 2023-04-27.

Conditions:
2-aminoadipic 2-oxoadipic aciduria (AAKAD). Also called: ALPHA-AMINOADIPIC AND ALPHA-KETOADIPIC ACIDURIA; Aminoadipic aciduria. Identifiers: Orphanet 79154, MedGen C1859817, MONDO:0008774, OMIM 204750.

Allele frequency attached by ClinVar (database versions not stated): ExAC 0.00001; TOPMed 0.00001; ESP Exome Variant Server 0.00008; 1000 Genomes Project 30x 0.00016; 1000 Genomes Project 0.00020.
gnomAD v4.1: 11 of 1,614,180 alleles (0.00068%); highest among the groups gnomAD compares: Non-Finnish European, 0.00076%; no homozygotes.

Submissions (2):

Women's Health and Genetics/Laboratory Corporation of America, LabCorp
Classification: Uncertain significance. Last evaluated: 2023-04-27. Review status: criteria provided, single submitter. Criteria: LabCorp Variant Classification Summary - May 2015. Collection method: clinical testing. Allele origin: germline.
Comment: Variant summary: DHTKD1 c.915G>C (p.Gln305His) results in a non-conservative amino acid change located in the Dehydrogenase, E1 component domain (IPR001017) of the encoded protein sequence. Four of four in-silico tools predict a damaging effect of the variant on protein function. The variant allele was found at a frequency of 4e-06 in 251428 control chromosomes (gnomAD). c.915G>C has been reported in the literature in 3 homozygous siblings, who had elevated urine and plasma metabolites, but were clinically asymptomatic (Stiles_2016). At least one publication reported experimental evidence evaluating an impact on protein function, and demonstrated that the thermal stability and Km (for 2-oxoadipate) of the variant protein was similar to the WT, while the specific activity was decreased to about 66% of the WT level (Nemeria_2022). The following publications have been ascertained in the context of this evaluation (PMID: 26141459, 35897808). No clinical diagnostic laboratories have submitted clinical-significance assessments for this variant to ClinVar after 2014. Based on the evidence outlined above, the variant might represent a hypomorphic allele that results in a biochemical phenotype in homozygous form without clinical symptoms, however it is unclear if it can contribute to more severe phenotypes in combination with other variants (e.g. null alleles), therefore the variant was classified as VUS-possibly pathogenic.

Labcorp Genetics (formerly Invitae), Labcorp
Classification: Uncertain significance for 2-aminoadipic 2-oxoadipic aciduria. Last evaluated: 2023-03-29. Review status: criteria provided, single submitter. Criteria: Invitae Variant Classification Sherloc (09022015). Collection method: clinical testing. Allele origin: germline.
Comment: Advanced modeling of protein sequence and biophysical properties (such as structural, functional, and spatial information, amino acid conservation, physicochemical variation, residue mobility, and thermodynamic stability) performed at Invitae indicates that this missense variant is not expected to disrupt DHTKD1 protein function. In summary, the available evidence is currently insufficient to determine the role of this variant in disease. Therefore, it has been classified as a Variant of Uncertain Significance. This missense change has been observed in individual(s) with 2-aminoadipic 2-oxoadipic aciduria (PMID: 26141459). It has also been observed to segregate with disease in related individuals. This variant is not present in population databases (gnomAD no frequency). This sequence change replaces glutamine, which is neutral and polar, with histidine, which is basic and polar, at codon 305 of the DHTKD1 protein (p.Gln305His).

Literature cited by the submitters: PubMed 35897808 (cited by Women's Health and Genetics/Laboratory Corporation of America, LabCorp); PubMed 26141459 (cited by Women's Health and Genetics/Laboratory Corporation of America, LabCorp and Labcorp Genetics (formerly Invitae), Labcorp).

NM_018706.7(DHTKD1):c.915G>C (p.Gln305His)

Gene: DHTKD1 (dehydrogenase E1 and transketolase domain containing 1; plus strand). Cytogenetic location: 10p14.
Variant type: single nucleotide variant.
Coding change: c.915G>C on transcript NM_018706.7 (MANE Select); coding-DNA position 915, G replaced by C.
Protein change: p.Gln305His; replaces glutamine 305 with histidine.
Molecular consequence: missense variant.
Genome position (GRCh38, 1-based): chr10:12,089,183, G>C. VCF-style: chr10-12089183-G-C. GRCh37 (hg19) VCF-style: chr10-12131182-G-C.
Other names: c.915G>C (NM_018706.6); short protein forms Q305H.
Identifiers: ClinVar variation 2503807 (VCV002503807.4), dbSNP rs200922071, ClinGen allele CA5407680.
Genomic context (GRCh38, chr10:12,089,183, plus strand): 5'-CAATCCCTCGCACCTGGAGGCCGTCAACCCCGTGGCCGTGGGCAAAACTCGCGGCAGGCA[G>C]CAGTCTCGCCAAGACGGCGATTACTCTCCAGACAACTCAGCCCAGCCGGGGGACAGGGTC-3'
Protein context (NP_061176.4, residues 295-315): PVAVGKTRGR[Gln305His]QSRQDGDYSP